The following is an entry in ClinVar:

NM_001369.3(DNAH5):c.13122del (p.Phe4374fs)

Gene: DNAH5 (dynein axonemal heavy chain 5; minus strand). Cytogenetic location: 5p15.2.
Variant type: Deletion.
Coding change: c.13122del on transcript NM_001369.3 (MANE Select); coding-DNA position 13122, one base deleted (T; older notation c.13122delT).
Protein change: p.Phe4374fs; shifts the reading frame from phenylalanine 4374.
Molecular consequence: frameshift variant.
Genome position (GRCh38, 1-based): chr5:13,714,408, A deleted on the plus strand (T on the coding strand, the reverse complement: DNAH5 is on the minus strand); the first of 3 consecutive A bases (chr5:13,714,408-13,714,410); deleting any one gives the same sequence. VCF-style (leftmost placement, unchanged base first): chr5-13714407-CA-C. GRCh37 (hg19) VCF-style: chr5-13714516-CA-C.
Other names: short protein forms F4374fs.
Identifiers: ClinVar variation 4814861 (VCV004814861.1).
Genomic context (GRCh38, chr5:13,714,407, plus strand): 5'-CTCCCAACCGAAGATATGCAACCCCAGCTGACATTTTGTCAGGATTTCATCAACTCACTT[CA>C]AAGGGGACATAGTCTGGGGGCAGCTTCTCCAGCATATCATCAGCCAGCCGGGCCACCACC-3'

ClinVar aggregate classification (germline): Likely pathogenic (1 of 4 stars; one submission).

Conditions:
Primary ciliary dyskinesia. Also called: Ciliary dyskinesia. Identifiers: Orphanet 244, MedGen C0008780, MONDO:0016575, HP:0012265.

Submission:

Natera, Inc.
Classification: Likely pathogenic for Primary ciliary dyskinesia. Last evaluated: 2025-09-19. Review status: criteria provided, single submitter. Criteria: Natera Variant Classification Schema (03/2026). Collection method: clinical testing. Allele origin: germline.
Comment: The c.13122del variant in DNAH5 is a frameshift variant predicted to shift the reading frame beginning at codon 4374 and leads to a stop codon 3 codons downstream. This variant is expected to result in nonsense mediated decay, truncation, or a dysfunctional protein product. This variant is rare in the general population with a frequency below the threshold expected for the associated phenotype(s). Given the available evidence, this variant is classified as Likely Pathogenic.